The following is an entry in ClinVar:

NM_001365276.2(TNXB):c.10713C>T (p.Ser3571=)

Genes: TNXB (tenascin XB; minus strand), LOC106780803 (tenascin XB recombination region; plus strand). Cytogenetic location: 6p21.33.
Variant type: single nucleotide variant.
Coding change: c.10713C>T on transcript NM_001365276.2 (MANE Select); coding-DNA position 10713, C replaced by T.
Protein change: p.Ser3571=; no amino-acid change (serine 3571 retained).
Molecular consequence: synonymous variant. On other transcripts: 5 prime UTR variant (1).
Genome position (GRCh38, 1-based): chr6:32,045,220, G>A on the plus strand (C>T on the coding strand, the complement: TNXB is on the minus strand). VCF-style: chr6-32045220-G-A. GRCh37 (hg19) VCF-style: chr6-32012997-G-A.
Other names: p.Ser3569=; c.10707C>T, p.Ser3569= (NM_019105.8); c.-1C>T (NM_032470.4).
Identifiers: ClinVar variation 261098 (VCV000261098.36), dbSNP rs758424441, ClinGen allele CA3733169.

ClinVar aggregate classification (germline): Benign/Likely benign. Review status: criteria provided, multiple submitters, no conflicts (2 of 4 stars). 5 submissions from 5 submitters: Benign (1); Likely benign (4). Last evaluated 2026-08-01.

Conditions:
Ehlers-Danlos syndrome due to tenascin-X deficiency (EDSCLL1). Also called: TNXB-Related Classical-Like Ehlers-Danlos Syndrome; EHLERS-DANLOS SYNDROME, CLASSIC-LIKE; Ehlers-Danlos syndrome, classic-like, 1; TNX DEFICIENCY; EDS DUE TO TNX DEFICIENCY. Identifiers: Orphanet 230839, MedGen C1848029, MONDO:0011670, OMIM 606408.
Vesicoureteral reflux 8 (VUR8). Identifiers: Orphanet 289365, MedGen C4014831, MONDO:0014422, OMIM 615963.

Allele frequency attached by ClinVar (database versions not stated): gnomAD exomes 0.00059; gnomAD 0.00072; ExAC 0.00163.

Submissions (5):

CeGaT Center for Human Genetics Tuebingen
Classification: Likely benign. Last evaluated: 2026-08-01. Review status: criteria provided, single submitter. Criteria: CeGaT Center For Human Genetics Tuebingen Variant Classification Criteria Version 2. Collection method: clinical testing. Allele origin: germline. Affected: yes. Observed: 9 variant alleles.
Comment: TNXB: BP4

Mayo Clinic Laboratories, Mayo Clinic
Classification: Likely benign. Last evaluated: 2025-08-05. Review status: criteria provided, single submitter. Criteria: ACMG Guidelines, 2015. Collection method: clinical testing. Allele origin: germline. Observed: 9 variant alleles.
Comment: BS1, BP4, BP7

Laboratory of Genetics, Children's Clinical University Hospital Latvia
Classification: Benign. Last evaluated: 2025-02-16. Review status: criteria provided, single submitter. Criteria: ACMG Guidelines, 2015. Collection method: clinical testing. Allele origin: germline. Affected: yes.

Fulgent Genetics
Classification: Likely benign for Ehlers-Danlos syndrome due to tenascin-X deficiency; Vesicoureteral reflux 8. Last evaluated: 2021-09-14. Review status: criteria provided, single submitter. Criteria: ACMG Guidelines, 2015. Collection method: clinical testing. Allele origin: unknown.

PreventionGenetics, part of Exact Sciences
Classification: Likely benign. Review status: criteria provided, single submitter. Criteria: ACMG Guidelines, 2015. Collection method: clinical testing. Allele origin: germline.